The following is an entry in ClinVar:

ClinVar aggregate classification (germline): Uncertain significance (1 of 4 stars; one submission).

gnomAD v4.1: 44 of 1,590,330 alleles (0.0028%); highest among the groups gnomAD compares: Admixed American, 0.0052%; no homozygotes.

Submission:

Labcorp Genetics (formerly Invitae), Labcorp
Classification: Uncertain significance. Last evaluated: 2025-08-29. Review status: criteria provided, single submitter. Criteria: Invitae Variant Classification Sherloc (09022015). Collection method: clinical testing. Allele origin: germline.
Comment: This sequence change replaces serine, which is neutral and polar, with leucine, which is neutral and non-polar, at codon 365 of the CNOT3 protein (p.Ser365Leu). This variant is present in population databases (rs587767936, gnomAD 0.006%). This variant has not been reported in the literature in individuals affected with CNOT3-related conditions. An algorithm developed to predict the effect of missense changes on protein structure and function (PolyPhen-2) suggests that this variant is likely to be tolerated. In summary, the available evidence is currently insufficient to determine the role of this variant in disease. Therefore, it has been classified as a Variant of Uncertain Significance.

NM_014516.4(CNOT3):c.1094C>T (p.Ser365Leu)

Gene: CNOT3 (CCR4-NOT transcription complex subunit 3; plus strand). Cytogenetic location: 19q13.42.
Variant type: single nucleotide variant.
Coding change: c.1094C>T on transcript NM_014516.4 (MANE Select); coding-DNA position 1094, C replaced by T.
Protein change: p.Ser365Leu; replaces serine 365 with leucine.
Molecular consequence: missense variant. On other transcripts: non-coding transcript variant (2).
Genome position (GRCh38, 1-based): chr19:54,148,347, C>T. VCF-style: chr19-54148347-C-T. GRCh37 (hg19) VCF-style: chr19-54652082-C-T.
Other names: c.1097C>T, p.Ser366Leu (NM_001440653.1, NM_001440655.1, NM_001440657.1 and 3 more transcripts); c.1094C>T, p.Ser365Leu (NM_001440654.1, NM_001440656.1, NM_001440658.1 and 1 more transcripts); c.551C>T, p.Ser184Leu (NM_001440659.1, NM_001440660.1); short protein forms S366L, S184L, S365L.
Identifiers: ClinVar variation 4780305 (VCV004780305.1).